The following is an entry in ClinVar:

ClinVar aggregate classification (germline): Uncertain significance (1 of 4 stars; one submission).

Conditions:
DICER1-related tumor predisposition. Also called: DICER1-related pleuropulmonary blastoma cancer predisposition syndrome; DICER1 syndrome. Identifiers: Orphanet 284343, MedGen C3839822, MONDO:0100216.

Submission:

Labcorp Genetics (formerly Invitae), Labcorp
Classification: Uncertain significance for DICER1-related tumor predisposition. Last evaluated: 2026-01-17. Review status: criteria provided, single submitter. Criteria: Invitae Variant Classification Sherloc (09022015). Collection method: clinical testing. Allele origin: germline.
Comment: This sequence change replaces proline, which is neutral and non-polar, with serine, which is neutral and polar, at codon 817 of the DICER1 protein (p.Pro817Ser). This variant is not present in population databases (gnomAD no frequency). This variant has not been reported in the literature in individuals affected with DICER1-related conditions. ClinVar contains an entry for this variant (Variation ID: 1009333). Invitae Evidence Modeling of protein sequence and biophysical properties (such as structural, functional, and spatial information, amino acid conservation, physicochemical variation, residue mobility, and thermodynamic stability) indicates that this missense variant is expected to disrupt DICER1 protein function with a positive predictive value of 95%. Algorithms developed to predict the effect of sequence changes on RNA splicing suggest that this variant may disrupt the consensus splice site. In summary, the available evidence is currently insufficient to determine the role of this variant in disease. Therefore, it has been classified as a Variant of Uncertain Significance.

NM_177438.3(DICER1):c.2449C>T (p.Pro817Ser)

Gene: DICER1 (dicer 1, ribonuclease III; minus strand). Cytogenetic location: 14q32.13.
Variant type: single nucleotide variant.
Coding change: c.2449C>T on transcript NM_177438.3 (MANE Select); coding-DNA position 2449, C replaced by T.
Protein change: p.Pro817Ser; replaces proline 817 with serine.
Molecular consequence: missense variant.
Genome position (GRCh38, 1-based): chr14:95,108,081, G>A on the plus strand (C>T on the coding strand, the complement: DICER1 is on the minus strand). VCF-style: chr14-95108081-G-A. GRCh37 (hg19) VCF-style: chr14-95574418-G-A.
Other names: c.2449C>T, p.Pro817Ser (NM_001195573.1, NM_001271282.3, NM_001291628.2 and 1 more transcripts); short protein forms P817S.
Identifiers: ClinVar variation 1009333 (VCV001009333.10), dbSNP rs774540239, ClinGen allele CA390882005.